The following is an entry in ClinVar:

ClinVar aggregate classification (germline): Benign/Likely benign. Review status: criteria provided, multiple submitters, no conflicts (2 of 4 stars). 5 submissions from 5 submitters: Benign (1); Likely benign (4). Last evaluated 2026-04-01.

Conditions:
Kufor-Rakeb syndrome (KRS). Also called: PARKINSON DISEASE 9, AUTOSOMAL RECESSIVE, JUVENILE-ONSET. Identifiers: Orphanet 306674, Orphanet 314632, MedGen C1847640, MONDO:0011706, OMIM 606693.
Autosomal recessive spastic paraplegia type 78. Identifiers: Orphanet 513436, MedGen C5567893, MONDO:0014975, OMIM 617225.
Inborn genetic diseases. Identifiers: MedGen C0950123, MeSH D030342.

Allele frequency attached by ClinVar (database versions not stated): gnomAD 0.00011 and 0.00044; TOPMed 0.00019; gnomAD exomes 0.00063 and 0.00114; ExAC 0.00127; 1000 Genomes Project 0.00220; 1000 Genomes Project 30x 0.00234.
gnomAD v4.1: 999 of 1,614,004 alleles (0.062%); highest among the groups gnomAD compares: South Asian, 0.84%; 13 homozygotes.

Submissions (5):

CeGaT Center for Human Genetics Tuebingen
Classification: Likely benign. Last evaluated: 2026-04-01. Review status: criteria provided, single submitter. Criteria: CeGaT Center For Human Genetics Tuebingen Variant Classification Criteria Version 2. Collection method: clinical testing. Allele origin: germline. Affected: yes. Observed: 5 variant alleles.
Comment: ATP13A2: BP4, BP7

Labcorp Genetics (formerly Invitae), Labcorp
Classification: Benign for Kufor-Rakeb syndrome; Autosomal recessive spastic paraplegia type 78. Last evaluated: 2026-01-28. Review status: criteria provided, single submitter. Criteria: Invitae Variant Classification Sherloc (09022015). Collection method: clinical testing. Allele origin: germline.

Illumina Laboratory Services, Illumina
Classification: Likely benign for Kufor-Rakeb syndrome. Last evaluated: 2017-04-27. Review status: criteria provided, single submitter. Criteria: ICSL Variant Classification Criteria 13 December 2019. Collection method: clinical testing. Allele origin: germline.
Comment: This variant was observed as part of a predisposition screen in an ostensibly healthy population. A literature search was performed for the gene, cDNA change, and amino acid change (where applicable). Publications were found based on this search. The evidence from the literature, in combination with allele frequency data from public databases where available, was sufficient to determine this variant is unlikely to cause disease. Therefore, this variant is classified as likely benign.

Ambry Genetics
Classification: Likely benign for Inborn genetic diseases. Last evaluated: 2017-02-01. Review status: criteria provided, single submitter. Criteria: Ambry Variant Classification Scheme 2023. Collection method: clinical testing. Allele origin: germline.

Breakthrough Genomics
Classification: Likely benign. Review status: criteria provided, single submitter. Criteria: ACMG Guidelines, 2015. Collection method: not provided. Allele origin: germline. Inheritance: Autosomal recessive inheritance. Affected: yes.

Literature cited by the submitters: PubMed 22743658 (cited by Illumina Laboratory Services, Illumina).

NM_022089.4(ATP13A2):c.1536C>T (p.Phe512=)

Gene: ATP13A2 (ATPase cation transporting 13A2; minus strand). Cytogenetic location: 1p36.13.
Variant type: single nucleotide variant.
Coding change: c.1536C>T on transcript NM_022089.4 (MANE Select); coding-DNA position 1536, C replaced by T.
Protein change: p.Phe512=; no amino-acid change (phenylalanine 512 retained).
Molecular consequence: synonymous variant.
Genome position (GRCh38, 1-based): chr1:16,995,982, G>A on the plus strand (C>T on the coding strand, the complement: ATP13A2 is on the minus strand). VCF-style: chr1-16995982-G-A. GRCh37 (hg19) VCF-style: chr1-17322477-G-A.
Other names: c.1521C>T, p.Phe507= (NM_001141973.3, NM_001141974.3).
Identifiers: ClinVar variation 590058 (VCV000590058.46), dbSNP rs536306337, ClinGen allele CA637190.